The following is an entry in ClinVar:

ClinVar aggregate classification (germline): Uncertain significance (1 of 4 stars; one submission).

Submission:

Labcorp Genetics (formerly Invitae), Labcorp
Classification: Uncertain significance. Last evaluated: 2024-04-12. Review status: criteria provided, single submitter. Criteria: Invitae Variant Classification Sherloc (09022015). Collection method: clinical testing. Allele origin: germline.
Comment: This sequence change replaces isoleucine, which is neutral and non-polar, with phenylalanine, which is neutral and non-polar, at codon 430 of the TRRAP protein (p.Ile430Phe). This variant is not present in population databases (gnomAD no frequency). This variant has not been reported in the literature in individuals affected with TRRAP-related conditions. Advanced modeling of protein sequence and biophysical properties (such as structural, functional, and spatial information, amino acid conservation, physicochemical variation, residue mobility, and thermodynamic stability) performed at Invitae indicates that this missense variant is not expected to disrupt TRRAP protein function with a negative predictive value of 80%. In summary, the available evidence is currently insufficient to determine the role of this variant in disease. Therefore, it has been classified as a Variant of Uncertain Significance.

NM_001375524.1(TRRAP):c.1288A>T (p.Ile430Phe)

Gene: TRRAP (transformation/transcription domain associated protein; plus strand). Cytogenetic location: 7q22.1.
Variant type: single nucleotide variant.
Coding change: c.1288A>T on transcript NM_001375524.1 (MANE Select); coding-DNA position 1288, A replaced by T.
Protein change: p.Ile430Phe; replaces isoleucine 430 with phenylalanine.
Molecular consequence: missense variant.
Genome position (GRCh38, 1-based): chr7:98,908,900, A>T. VCF-style: chr7-98908900-A-T. GRCh37 (hg19) VCF-style: chr7-98506523-A-T.
Other names: c.1288A>T, p.Ile430Phe (NM_001244580.2, NM_003496.4); short protein forms I430F.
Identifiers: ClinVar variation 3648865 (VCV003648865.2).